The following is an entry in ClinVar:

NM_001928.4(CFD):c.752T>G (p.Val251Gly)

Gene: CFD (complement factor D; plus strand). Cytogenetic location: 19p13.3.
Variant type: single nucleotide variant.
Coding change: c.752T>G on transcript NM_001928.4 (MANE Select); coding-DNA position 752, T replaced by G.
Protein change: p.Val251Gly; replaces valine 251 with glycine.
Molecular consequence: missense variant.
Genome position (GRCh38, 1-based): chr19:863,228, T>G. VCF-style: chr19-863228-T-G. GRCh37 (hg19) VCF-style: chr19-863228-T-G.
Other names: c.773T>G, p.Val258Gly (NM_001317335.2); short protein forms V251G, V258G.
Identifiers: ClinVar variation 1986025 (VCV001986025.2), dbSNP rs970281483, ClinGen allele CA303956163.

ClinVar aggregate classification (germline): Uncertain significance (1 of 4 stars; one submission).

Allele frequency attached by ClinVar (database versions not stated): gnomAD 0.00002; TOPMed 0.00002.
gnomAD v4.1: 50 of 1,546,318 alleles (0.0032%); highest among the groups gnomAD compares: African/African-American, 0.0054%; no homozygotes.

Submission:

Labcorp Genetics (formerly Invitae), Labcorp
Classification: Uncertain significance. Last evaluated: 2022-10-13. Review status: criteria provided, single submitter. Criteria: Invitae Variant Classification Sherloc (09022015). Collection method: clinical testing. Allele origin: germline.
Comment: This sequence change replaces valine, which is neutral and non-polar, with glycine, which is neutral and non-polar, at codon 251 of the CFD protein (p.Val251Gly). The frequency data for this variant in the population databases is considered unreliable, as metrics indicate poor data quality at this position in the gnomAD database. This variant has not been reported in the literature in individuals affected with CFD-related conditions. Algorithms developed to predict the effect of missense changes on protein structure and function are either unavailable or do not agree on the potential impact of this missense change (SIFT: "Not Available"; PolyPhen-2: "Probably Damaging"; Align-GVGD: "Not Available"). In summary, the available evidence is currently insufficient to determine the role of this variant in disease. Therefore, it has been classified as a Variant of Uncertain Significance.